The following is an entry in ClinVar:

NM_004385.5(VCAN):c.910G>T (p.Val304Leu)

Gene: VCAN (versican; plus strand). Cytogenetic location: 5q14.3.
Variant type: single nucleotide variant.
Coding change: c.910G>T on transcript NM_004385.5 (MANE Select); coding-DNA position 910, G replaced by T.
Protein change: p.Val304Leu; replaces valine 304 with leucine.
Molecular consequence: missense variant.
Genome position (GRCh38, 1-based): chr5:83,512,264, G>T. VCF-style: chr5-83512264-G-T. GRCh37 (hg19) VCF-style: chr5-82808083-G-T.
Other names: c.910G>T, p.Val304Leu (NM_001126336.3, NM_001164097.2, NM_001164098.2); short protein forms V304L.
Identifiers: ClinVar variation 2824115 (VCV002824115.3), dbSNP rs1745689488, ClinGen allele CA360298176.

ClinVar aggregate classification (germline): Uncertain significance (1 of 4 stars; one submission).

Submission:

Labcorp Genetics (formerly Invitae), Labcorp
Classification: Uncertain significance. Last evaluated: 2022-12-25. Review status: criteria provided, single submitter. Criteria: Invitae Variant Classification Sherloc (09022015). Collection method: clinical testing. Allele origin: germline.
Comment: In summary, the available evidence is currently insufficient to determine the role of this variant in disease. Therefore, it has been classified as a Variant of Uncertain Significance. Algorithms developed to predict the effect of missense changes on protein structure and function are either unavailable or do not agree on the potential impact of this missense change (SIFT: "Deleterious"; PolyPhen-2: "Probably Damaging"; Align-GVGD: "Class C0"). This variant has not been reported in the literature in individuals affected with VCAN-related conditions. This variant is not present in population databases (gnomAD no frequency). This sequence change replaces valine, which is neutral and non-polar, with leucine, which is neutral and non-polar, at codon 304 of the VCAN protein (p.Val304Leu).